The following is an entry in ClinVar:

ClinVar aggregate classification (germline): Conflicting classifications of pathogenicity. Review status: criteria provided, conflicting classifications (1 of 4 stars). 2 submissions from 2 submitters: Uncertain significance (1); Likely benign (1). Last evaluated 2025-10-18.

Conditions:
Hereditary cancer-predisposing syndrome. Also called: Neoplastic Syndromes, Hereditary; Hereditary Cancer Syndrome; Tumor predisposition; Hereditary neoplastic syndrome. Identifiers: Orphanet 140162, MedGen C0027672, MeSH D009386, MONDO:0015356.
Ataxia-telangiectasia syndrome (AT). Also called: LOUIS-BAR SYNDROME; Cerebello-oculocutaneous telangiectasia; Immunodeficiency with ataxia telangiectasia; Ataxia-telangiectasia, complementation group D; AT, COMPLEMENTATION GROUP C; Ataxia-telangiectasia, complementation group E. Identifiers: Orphanet 100, MedGen C0004135, MONDO:0008840, OMIM 208900.

Submissions (2):

Labcorp Genetics (formerly Invitae), Labcorp
Classification: Uncertain significance for Ataxia-telangiectasia syndrome. Last evaluated: 2025-10-18. Review status: criteria provided, single submitter. Criteria: Invitae Variant Classification Sherloc (09022015). Collection method: clinical testing. Allele origin: germline.
Comment: This sequence change replaces glutamine, which is neutral and polar, with lysine, which is basic and polar, at codon 2028 of the ATM protein (p.Gln2028Lys). This variant is not present in population databases (gnomAD no frequency). This variant has not been reported in the literature in individuals affected with ATM-related conditions. ClinVar contains an entry for this variant (Variation ID: 479036). Invitae Evidence Modeling of protein sequence and biophysical properties (such as structural, functional, and spatial information, amino acid conservation, physicochemical variation, residue mobility, and thermodynamic stability) indicates that this missense variant is not expected to disrupt ATM protein function with a negative predictive value of 95%. In summary, the available evidence is currently insufficient to determine the role of this variant in disease. Therefore, it has been classified as a Variant of Uncertain Significance.

Ambry Genetics
Classification: Likely benign for Hereditary cancer-predisposing syndrome. Last evaluated: 2025-02-12. Review status: criteria provided, single submitter. Criteria: Ambry Variant Classification Scheme 2023. Collection method: clinical testing. Allele origin: germline.

NM_000051.4(ATM):c.6082C>A (p.Gln2028Lys)

Genes: ATM (ATM serine/threonine kinase; plus strand), C11orf65 (chromosome 11 open reading frame 65; minus strand). Cytogenetic location: 11q22.3.
Variant type: single nucleotide variant.
Coding change: c.6082C>A on transcript NM_000051.4 (MANE Select); coding-DNA position 6082, C replaced by A.
Protein change: p.Gln2028Lys; replaces glutamine 2028 with lysine.
Molecular consequence: missense variant. On other transcripts: intron variant (2).
Genome position (GRCh38, 1-based): chr11:108,315,898, C>A. VCF-style: chr11-108315898-C-A. GRCh37 (hg19) VCF-style: chr11-108186625-C-A.
Other names: c.6082C>A, p.Gln2028Lys (NM_001351834.2); c.641-6827G>T (NM_001330368.2); c.*39-6827G>T (NM_001351110.2); short protein forms Q2028K.
Identifiers: ClinVar variation 479036 (VCV000479036.17), dbSNP rs876659454, ClinGen allele CA382550156.